The following is an entry in ClinVar:

NM_021815.5(SLC5A7):c.1526C>G (p.Pro509Arg)

Gene: SLC5A7 (solute carrier family 5 member 7; plus strand). Cytogenetic location: 2q12.3.
Variant type: single nucleotide variant.
Coding change: c.1526C>G on transcript NM_021815.5 (MANE Select); coding-DNA position 1526, C replaced by G.
Protein change: p.Pro509Arg; replaces proline 509 with arginine.
Molecular consequence: missense variant.
Genome position (GRCh38, 1-based): chr2:108,010,644, C>G. VCF-style: chr2-108010644-C-G. GRCh37 (hg19) VCF-style: chr2-108627100-C-G.
Other names: c.1526C>G, p.Pro509Arg (NM_001305005.3); c.1211C>G, p.Pro404Arg (NM_001305006.3); c.785C>G, p.Pro262Arg (NM_001305007.3); short protein forms P262R, P404R, P509R.
Identifiers: ClinVar variation 2947650 (VCV002947650.3), dbSNP rs749606829, ClinGen allele CA348114771.

ClinVar aggregate classification (germline): Uncertain significance (1 of 4 stars; one submission).

Conditions:
Congenital myasthenic syndrome 20. Also called: Myasthenic syndrome, congenital, 20, presynaptic. Identifiers: MedGen C4310694, MONDO:0014939, OMIM 617143.
Neuronopathy, distal hereditary motor, type 7A. Also called: HARPER-YOUNG MYOPATHY; HMN VIIA; SPINAL MUSCULAR ATROPHY, DISTAL, WITH VOCAL CORD PARALYSIS; Neuronopathy, distal hereditary motor, type viia; NEURONOPATHY, DISTAL HEREDITARY MOTOR, HARDING TYPE VIIA; NEUROPATHY, DISTAL HEREDITARY MOTOR, HARDING TYPE VIIA. Identifiers: Orphanet 139589, MedGen C1834703, MONDO:0008024, OMIM 158580.

Submission:

Labcorp Genetics (formerly Invitae), Labcorp
Classification: Uncertain significance for Neuronopathy, distal hereditary motor, type 7A; Congenital myasthenic syndrome 20. Last evaluated: 2023-05-12. Review status: criteria provided, single submitter. Criteria: Invitae Variant Classification Sherloc (09022015). Collection method: clinical testing. Allele origin: germline.
Comment: This variant has not been reported in the literature in individuals affected with SLC5A7-related conditions. This variant is not present in population databases (gnomAD no frequency). This sequence change replaces proline, which is neutral and non-polar, with arginine, which is basic and polar, at codon 509 of the SLC5A7 protein (p.Pro509Arg). Advanced modeling of protein sequence and biophysical properties (such as structural, functional, and spatial information, amino acid conservation, physicochemical variation, residue mobility, and thermodynamic stability) performed at Invitae indicates that this missense variant is not expected to disrupt SLC5A7 protein function. In summary, the available evidence is currently insufficient to determine the role of this variant in disease. Therefore, it has been classified as a Variant of Uncertain Significance.